The following is an entry in ClinVar:

ClinVar aggregate classification (germline): Likely benign. Review status: criteria provided, multiple submitters, no conflicts (2 of 4 stars). 2 submissions from 2 submitters: Likely benign (2). Last evaluated 2021-01-26.

Conditions:
Episodic ataxia type 2 (EA2). Also called: ATAXIA, EPISODIC, WITH NYSTAGMUS; ATAXIA, FAMILIAL PAROXYSMAL; CEREBELLAR ATAXIA, PAROXYSMAL, ACETAZOLAMIDE-RESPONSIVE; CEREBELLOPATHY, HEREDITARY PAROXYSMAL; ACETAZOLAMIDE-RESPONSIVE HEREDITARY PAROXYSMAL CEREBELLAR ATAXIA; EPISODIC ATAXIA, NYSTAGMUS-ASSOCIATED. Identifiers: Orphanet 97, MedGen C1720416, MONDO:0007163, OMIM 108500.
Developmental and epileptic encephalopathy, 42 (DEE42A). Also called: DEVELOPMENTAL AND EPILEPTIC ENCEPHALOPATHY 42A; EPILEPTIC ENCEPHALOPATHY, EARLY INFANTILE, 42A; Epileptic encephalopathy, early infantile, 42. Identifiers: MedGen C4310716, MONDO:0014917, OMIM 617106.

Allele frequency attached by ClinVar (database versions not stated): gnomAD exomes below 0.00001; TOPMed below 0.00001; gnomAD 0.00001.
gnomAD v4.1: 3 of 1,583,286 alleles (0.00019%); highest among the groups gnomAD compares: Admixed American, 0.0052%; no homozygotes.

Submissions (2):

Labcorp Genetics (formerly Invitae), Labcorp
Classification: Likely benign for Developmental and epileptic encephalopathy, 42; Episodic ataxia type 2. Last evaluated: 2021-01-26. Review status: criteria provided, single submitter. Criteria: Invitae Variant Classification Sherloc (09022015). Collection method: clinical testing. Allele origin: germline.

GeneDx
Classification: Likely benign. Last evaluated: 2017-01-16. Review status: criteria provided, single submitter. Criteria: GeneDx Variant Classification (06012015). Collection method: clinical testing. Allele origin: germline. Affected: yes.
Comment: This variant is considered likely benign or benign based on one or more of the following criteria: it is a conservative change, it occurs at a poorly conserved position in the protein, it is predicted to be benign by multiple in silico algorithms, and/or has population frequency not consistent with disease.

NM_001127222.2(CACNA1A):c.2655A>G (p.Gly885=)

Gene: CACNA1A (calcium voltage-gated channel subunit alpha1 A; minus strand). Cytogenetic location: 19p13.13.
Variant type: single nucleotide variant.
Coding change: c.2655A>G on transcript NM_001127222.2 (MANE Select); coding-DNA position 2655, A replaced by G.
Protein change: p.Gly885=; no amino-acid change (glycine 885 retained).
Molecular consequence: synonymous variant.
Genome position (GRCh38, 1-based): chr19:13,298,978, T>C on the plus strand (A>G on the coding strand, the complement: CACNA1A is on the minus strand). VCF-style: chr19-13298978-T-C. GRCh37 (hg19) VCF-style: chr19-13409792-T-C.
Other names: c.2667A>G, p.Gly889= (NM_000068.4, NM_023035.3); c.2658A>G, p.Gly886= (NM_001127221.2, NM_001174080.2).
Identifiers: ClinVar variation 393025 (VCV000393025.12), dbSNP rs1057524746, ClinGen allele CA16608162.
Genomic context (GRCh38, chr19:13,298,978, plus strand): 5'-GGCGTGGTGGTCCGACTCGCGGCCGTAGGGTCCCTCCCGGCTCAGCTCGGCCTCCTGGCT[T>C]CCCGCCCAGGGCCTCCGTGCGTCCAGGCCCGCCGAGCCGCTGGGGTCCCGGGCCCGATCG-3'
Protein context (NP_001120694.1, residues 875-895): AGLDARRPWA[Gly885=]SQEAELSREG